The following is an entry in ClinVar:

NM_000660.7(TGFB1):c.835G>A (p.Ala279Thr)

Gene: TGFB1 (transforming growth factor beta 1; minus strand). Cytogenetic location: 19q13.2.
Variant type: single nucleotide variant.
Coding change: c.835G>A on transcript NM_000660.7 (MANE Select); coding-DNA position 835, G replaced by A.
Protein change: p.Ala279Thr; replaces alanine 279 with threonine.
Molecular consequence: missense variant.
Genome position (GRCh38, 1-based): chr19:41,341,908, C>T on the plus strand (G>A on the coding strand, the complement: TGFB1 is on the minus strand). VCF-style: chr19-41341908-C-T. GRCh37 (hg19) VCF-style: chr19-41847813-C-T.
Other names: short protein forms A279T.
Identifiers: ClinVar variation 3665806 (VCV003665806.2).

ClinVar aggregate classification (germline): Uncertain significance (1 of 4 stars; one submission).

Submission:

Labcorp Genetics (formerly Invitae), Labcorp
Classification: Uncertain significance. Last evaluated: 2025-01-29. Review status: criteria provided, single submitter. Criteria: Invitae Variant Classification Sherloc (09022015). Collection method: clinical testing. Allele origin: germline.
Comment: This sequence change replaces alanine, which is neutral and non-polar, with threonine, which is neutral and polar, at codon 279 of the TGFB1 protein (p.Ala279Thr). This variant is not present in population databases (gnomAD no frequency). This variant has not been reported in the literature in individuals affected with TGFB1-related conditions. Invitae Evidence Modeling of protein sequence and biophysical properties (such as structural, functional, and spatial information, amino acid conservation, physicochemical variation, residue mobility, and thermodynamic stability) indicates that this missense variant is not expected to disrupt TGFB1 protein function with a negative predictive value of 80%. In summary, the available evidence is currently insufficient to determine the role of this variant in disease. Therefore, it has been classified as a Variant of Uncertain Significance.